The following is an entry in ClinVar:

ClinVar aggregate classification (germline): Uncertain significance (1 of 4 stars; one submission).

gnomAD v4.1: 1 of 1,597,562 alleles (0.000063%); highest among the groups gnomAD compares: Admixed American, 0.0017%; no homozygotes.

Submission:

Labcorp Genetics (formerly Invitae), Labcorp
Classification: Uncertain significance. Last evaluated: 2024-08-01. Review status: criteria provided, single submitter. Criteria: Invitae Variant Classification Sherloc (09022015). Collection method: clinical testing. Allele origin: germline.
Comment: This sequence change replaces tryptophan, which is neutral and slightly polar, with cysteine, which is neutral and slightly polar, at codon 1020 of the JAK2 protein (p.Trp1020Cys). This variant is present in population databases (no rsID available, gnomAD 0.003%). This variant has not been reported in the literature in individuals affected with JAK2-related conditions. An algorithm developed to predict the effect of missense changes on protein structure and function (PolyPhen-2) suggests that this variant is likely to be disruptive. In summary, the available evidence is currently insufficient to determine the role of this variant in disease. Therefore, it has been classified as a Variant of Uncertain Significance.

NM_004972.4(JAK2):c.3060G>T (p.Trp1020Cys)

Genes: INSL6 (insulin like 6; minus strand), JAK2 (Janus kinase 2; plus strand). Cytogenetic location: 9p24.1.
Variant type: single nucleotide variant.
Coding change: c.3060G>T on transcript NM_004972.4 (MANE Select); coding-DNA position 3060, G replaced by T.
Protein change: p.Trp1020Cys; replaces tryptophan 1020 with cysteine.
Molecular consequence: missense variant. On other transcripts: non-coding transcript variant (2).
Genome position (GRCh38, 1-based): chr9:5,123,004, G>T. VCF-style: chr9-5123004-G-T. GRCh37 (hg19) VCF-style: chr9-5123004-G-T.
Other names: c.3060G>T, p.Trp1020Cys (NM_001322194.2, NM_001322195.2, NM_001322196.2); c.1845G>T, p.Trp615Cys (NM_001322198.2, NM_001322199.2); c.2613G>T, p.Trp871Cys (NM_001322204.2); short protein forms W1020C, W615C, W871C.
Identifiers: ClinVar variation 3656206 (VCV003656206.2).